The following is an entry in ClinVar:

ClinVar aggregate classification (germline): Uncertain significance. Review status: criteria provided, multiple submitters, no conflicts (2 of 4 stars). 2 submissions from 2 submitters: Uncertain significance (2). Last evaluated 2026-02-10.

Conditions:
Familial thoracic aortic aneurysm and aortic dissection (TAAD). Also called: Thoracic aortic aneurysms and dissections. Identifiers: Orphanet 91387, MedGen C4707243, MONDO:0019625.

Submissions (2):

GeneDx
Classification: Uncertain significance. Last evaluated: 2026-02-10. Review status: criteria provided, single submitter. Criteria: GeneDx Variant Classification Process June 2021. Collection method: clinical testing. Allele origin: germline.
Comment: Not observed at significant frequency in large population cohorts (gnomAD); In silico analysis supports that this missense variant has a deleterious effect on protein structure/function; Has not been previously published as pathogenic or benign to our knowledge

Labcorp Genetics (formerly Invitae), Labcorp
Classification: Uncertain significance for Familial thoracic aortic aneurysm and aortic dissection. Last evaluated: 2025-08-30. Review status: criteria provided, single submitter. Criteria: Invitae Variant Classification Sherloc (09022015). Collection method: clinical testing. Allele origin: germline.
Comment: This sequence change replaces threonine, which is neutral and polar, with serine, which is neutral and polar, at codon 66 of the SMAD3 protein (p.Thr66Ser). This variant is not present in population databases (gnomAD no frequency). This variant has not been reported in the literature in individuals affected with SMAD3-related conditions. Invitae Evidence Modeling of protein sequence and biophysical properties (such as structural, functional, and spatial information, amino acid conservation, physicochemical variation, residue mobility, and thermodynamic stability) has been performed for this missense variant. However, the output from this modeling did not meet the statistical confidence thresholds required to predict the impact of this variant on SMAD3 protein function. In summary, the available evidence is currently insufficient to determine the role of this variant in disease. Therefore, it has been classified as a Variant of Uncertain Significance.

NM_005902.4(SMAD3):c.197C>G (p.Thr66Ser)

Gene: SMAD3 (SMAD family member 3; plus strand). Cytogenetic location: 15q22.33.
Variant type: single nucleotide variant.
Coding change: c.197C>G on transcript NM_005902.4 (MANE Select); coding-DNA position 197, C replaced by G.
Protein change: p.Thr66Ser; replaces threonine 66 with serine.
Molecular consequence: missense variant.
Genome position (GRCh38, 1-based): chr15:67,066,351, C>G. VCF-style: chr15-67066351-C-G. GRCh37 (hg19) VCF-style: chr15-67358689-C-G.
Other names: c.197C>G, p.Thr66Ser (NM_001407011.1, NM_001407012.1, NM_001407013.1); c.197C>G (NM_005902.3); short protein forms T66S.
Identifiers: ClinVar variation 4807631 (VCV004807631.2).
Genomic context (GRCh38, chr15:67,066,351, plus strand): 5'-GGCAGCTGGACGAGCTGGAGAAGGCCATCACCACGCAGAACGTCAACACCAAGTGCATCA[C>G]CATCCCCAGGTGGGGGCCCGCCCGGGGGGGACCCGGGGTCACGCCGGCCCAGCCCCCTGG-3'
Protein context (NP_005893.1, residues 56-76): TTQNVNTKCI[Thr66Ser]IPRSLDGRLQ